The following is an entry in ClinVar:

ClinVar aggregate classification (germline): Uncertain significance (1 of 4 stars; one submission).

Submission:

Labcorp Genetics (formerly Invitae), Labcorp
Classification: Uncertain significance. Last evaluated: 2025-12-25. Review status: criteria provided, single submitter. Criteria: Invitae Variant Classification Sherloc (09022015). Collection method: clinical testing. Allele origin: germline.
Comment: This sequence change creates a premature translational stop signal (p.Leu252Glufs*20) in the RBM48 gene. It is expected to result in an absent or disrupted protein product. However, the current clinical and genetic evidence is not sufficient to establish whether loss-of-function variants in RBM48 cause disease. This variant is present in population databases (rs763571655, gnomAD 0.02%). This variant has not been reported in the literature in individuals affected with RBM48-related conditions. In summary, the available evidence is currently insufficient to determine the role of this variant in disease. Therefore, it has been classified as a Variant of Uncertain Significance.

NM_032120.4(RBM48):c.754_755del (p.Leu252fs)

Gene: RBM48 (RNA binding motif protein 48; plus strand). Cytogenetic location: 7q21.2.
Variant type: Deletion.
Coding change: c.754_755del on transcript NM_032120.4 (MANE Select); coding-DNA positions 754 to 755, 2 bases deleted (TT; older notation c.754_755delTT).
Protein change: p.Leu252fs; shifts the reading frame from leucine 252.
Molecular consequence: frameshift variant.
Genome position (GRCh38, 1-based): chr7:92,534,707-92,534,708, TT deleted; deleting any 2 consecutive bases within chr7:92,534,706-92,534,708 gives the same sequence; the c. name uses the placement nearest the transcript's 3' end. VCF-style (leftmost placement, unchanged base first): chr7-92534705-CTT-C. GRCh37 (hg19) VCF-style: chr7-92164019-CTT-C.
Other names: c.754_755del, p.Leu252fs (NM_001363366.1); c.229_230del, p.Leu77fs (NM_001363367.1); short protein forms L252fs, L77fs.
Identifiers: ClinVar variation 4693937 (VCV004693937.1).